The following is an entry in ClinVar:

NM_000531.6(OTC):c.179C>G (p.Ser60Ter)

Gene: OTC (ornithine transcarbamylase; plus strand). Cytogenetic location: Xp11.4.
Variant type: single nucleotide variant.
Coding change: c.179C>G on transcript NM_000531.6 (MANE Select); coding-DNA position 179, C replaced by G.
Protein change: p.Ser60Ter; replaces serine 60 with a stop codon.
Molecular consequence: nonsense.
Genome position (GRCh38, 1-based): chrX:38,367,392, C>G. VCF-style: chrX-38367392-C-G. GRCh37 (hg19) VCF-style: chrX-38226645-C-G.
Other names: c.179C>G, p.Ser60Ter (NM_001407092.1); short protein forms S60*.
Identifiers: ClinVar variation 1780328 (VCV001780328.2), dbSNP rs72554323, ClinGen allele CA412716338.

ClinVar aggregate classification (germline): Pathogenic (1 of 4 stars; one submission).

Conditions:
Inborn genetic diseases. Identifiers: MedGen C0950123, MeSH D030342.

Submission:

Ambry Genetics
Classification: Pathogenic for Inborn genetic diseases. Last evaluated: 2017-11-10. Review status: criteria provided, single submitter. Criteria: Ambry Variant Classification Scheme 2023. Collection method: clinical testing. Allele origin: germline.
Comment: The p.S60* pathogenic mutation (also known as c.179C>G), located in coding exon 2 of the OTC gene, results from a C to G substitution at nucleotide position 179. This changes the amino acid from a serine to a stop codon within coding exon 2. This alteration is expected to result in loss of function by premature protein truncation or nonsense-mediated mRNA decay. As such, this alteration is interpreted as a disease-causing mutation.